The following is an entry in ClinVar:

NM_024747.6(HPS6):c.493G>C (p.Val165Leu)

Gene: HPS6 (HPS6 biogenesis of lysosomal organelles complex 2 subunit 3; plus strand). Cytogenetic location: 10q24.32.
Variant type: single nucleotide variant.
Coding change: c.493G>C on transcript NM_024747.6 (MANE Select); coding-DNA position 493, G replaced by C.
Protein change: p.Val165Leu; replaces valine 165 with leucine.
Molecular consequence: missense variant.
Genome position (GRCh38, 1-based): chr10:102,065,967, G>C. VCF-style: chr10-102065967-G-C. GRCh37 (hg19) VCF-style: chr10-103825724-G-C.
Other names: short protein forms V165L.
Identifiers: ClinVar variation 4036172 (VCV004036172.2).

ClinVar aggregate classification (germline): Uncertain significance. Review status: criteria provided, multiple submitters, no conflicts (2 of 4 stars). 2 submissions from 2 submitters: Uncertain significance (2). Last evaluated 2025-09-24.

Conditions:
Inborn genetic diseases. Identifiers: MedGen C0950123, MeSH D030342.

gnomAD v4.1: 5 of 1,596,782 alleles (0.00031%); highest among the groups gnomAD compares: Non-Finnish European, 0.00042%; no homozygotes.

Submissions (2):

Labcorp Genetics (formerly Invitae), Labcorp
Classification: Uncertain significance. Last evaluated: 2025-09-24. Review status: criteria provided, single submitter. Criteria: Invitae Variant Classification Sherloc (09022015). Collection method: clinical testing. Allele origin: germline.
Comment: This sequence change replaces valine, which is neutral and non-polar, with leucine, which is neutral and non-polar, at codon 165 of the HPS6 protein (p.Val165Leu). This variant is not present in population databases (gnomAD no frequency). This variant has not been reported in the literature in individuals affected with HPS6-related conditions. ClinVar contains an entry for this variant (Variation ID: 4036172). Invitae Evidence Modeling of protein sequence and biophysical properties (such as structural, functional, and spatial information, amino acid conservation, physicochemical variation, residue mobility, and thermodynamic stability) indicates that this missense variant is not expected to disrupt HPS6 protein function with a negative predictive value of 80%. In summary, the available evidence is currently insufficient to determine the role of this variant in disease. Therefore, it has been classified as a Variant of Uncertain Significance.

Ambry Genetics
Classification: Uncertain significance for Inborn genetic diseases. Last evaluated: 2025-05-15. Review status: criteria provided, single submitter. Criteria: Ambry Variant Classification Scheme 2023. Collection method: clinical testing. Allele origin: germline.